The following is an entry in ClinVar:

ClinVar aggregate classification (germline): Uncertain significance (1 of 4 stars; one submission).

Conditions:
Hereditary cancer-predisposing syndrome. Also called: Neoplastic Syndromes, Hereditary; Hereditary Cancer Syndrome; Tumor predisposition; Hereditary neoplastic syndrome. Identifiers: Orphanet 140162, MedGen C0027672, MeSH D009386, MONDO:0015356.

Submission:

Labcorp Genetics (formerly Invitae), Labcorp
Classification: Uncertain significance for Hereditary cancer-predisposing syndrome. Last evaluated: 2022-01-03. Review status: criteria provided, single submitter. Criteria: Invitae Variant Classification Sherloc (09022015). Collection method: clinical testing. Allele origin: germline.
Comment: Algorithms developed to predict the effect of missense changes on protein structure and function are either unavailable or do not agree on the potential impact of this missense change (SIFT: "Tolerated"; PolyPhen-2: "Possibly Damaging"; Align-GVGD: "Class C0"). In summary, the available evidence is currently insufficient to determine the role of this variant in disease. Therefore, it has been classified as a Variant of Uncertain Significance. Algorithms developed to predict the effect of sequence changes on RNA splicing suggest that this variant may create or strengthen a splice site. This variant has not been reported in the literature in individuals affected with RAD50-related conditions. This variant is not present in population databases (gnomAD no frequency). This sequence change replaces lysine, which is basic and polar, with arginine, which is basic and polar, at codon 6 of the RAD50 protein (p.Lys6Arg).

NM_005732.4(RAD50):c.17A>G (p.Lys6Arg)

Gene: RAD50 (RAD50 double strand break repair protein; plus strand). Cytogenetic location: 5q31.1.
Variant type: single nucleotide variant.
Coding change: c.17A>G on transcript NM_005732.4 (MANE Select); coding-DNA position 17, A replaced by G.
Protein change: p.Lys6Arg; replaces lysine 6 with arginine.
Molecular consequence: missense variant.
Genome position (GRCh38, 1-based): chr5:132,557,341, A>G. VCF-style: chr5-132557341-A-G. GRCh37 (hg19) VCF-style: chr5-131893033-A-G.
Other names: short protein forms K6R.
Identifiers: ClinVar variation 2071944 (VCV002071944.4), dbSNP rs2479573805, ClinGen allele CA360950790.